The following is an entry in ClinVar:

NM_000553.6(WRN):c.967T>A (p.Ser323Thr)

Gene: WRN (WRN RecQ like helicase; plus strand). Cytogenetic location: 8p12.
Variant type: single nucleotide variant.
Coding change: c.967T>A on transcript NM_000553.6 (MANE Select); coding-DNA position 967, T replaced by A.
Protein change: p.Ser323Thr; replaces serine 323 with threonine.
Molecular consequence: missense variant.
Genome position (GRCh38, 1-based): chr8:31,080,994, T>A. VCF-style: chr8-31080994-T-A. GRCh37 (hg19) VCF-style: chr8-30938510-T-A.
Other names: short protein forms S323T.
Identifiers: ClinVar variation 2762624 (VCV002762624.3), dbSNP rs2535910125, ClinGen allele CA370920067.

ClinVar aggregate classification (germline): Uncertain significance (1 of 4 stars; one submission).

Conditions:
Werner syndrome (WRN). Identifiers: Orphanet 902, MedGen C0043119, MONDO:0010196, OMIM 277700.

Submission:

Labcorp Genetics (formerly Invitae), Labcorp
Classification: Uncertain significance for Werner syndrome. Last evaluated: 2023-09-22. Review status: criteria provided, single submitter. Criteria: Invitae Variant Classification Sherloc (09022015). Collection method: clinical testing. Allele origin: germline.
Comment: This sequence change replaces serine, which is neutral and polar, with threonine, which is neutral and polar, at codon 323 of the WRN protein (p.Ser323Thr). In summary, the available evidence is currently insufficient to determine the role of this variant in disease. Therefore, it has been classified as a Variant of Uncertain Significance. An algorithm developed to predict the effect of missense changes on protein structure and function (PolyPhen-2) suggests that this variant is likely to be tolerated. This variant has not been reported in the literature in individuals affected with WRN-related conditions. This variant is not present in population databases (gnomAD no frequency).